The following is an entry in ClinVar:

ClinVar aggregate classification (germline): Uncertain significance (1 of 4 stars; one submission).

Conditions:
KIDINS220-related disorder. Also called: KIDINS220-related condition.

gnomAD v4.1: 4 of 1,614,048 alleles (0.00025%); highest among the groups gnomAD compares: African/African-American, 0.0027%; no homozygotes.

Submission:

PreventionGenetics, part of Exact Sciences
Classification: Uncertain significance for KIDINS220-related condition. Last evaluated: 2026-02-12. Review status: criteria provided, single submitter. Criteria: ACMG Guidelines, 2015. Collection method: clinical testing. Allele origin: germline.
Comment: The KIDINS220 c.5098G>A variant is predicted to result in the amino acid substitution p.Asp1700Asn. To our knowledge, this variant has not been reported in the literature. This variant is reported in 0.011% of alleles in individuals of African descent in gnomAD. At this time, the clinical significance of this variant is uncertain due to the absence of conclusive functional and genetic evidence.

NM_020738.4(KIDINS220):c.5098G>A (p.Asp1700Asn)

Gene: KIDINS220 (kinase D interacting substrate 220; minus strand). Cytogenetic location: 2p25.1.
Variant type: single nucleotide variant.
Coding change: c.5098G>A on transcript NM_020738.4 (MANE Select); coding-DNA position 5098, G replaced by A.
Protein change: p.Asp1700Asn; replaces aspartic acid 1700 with asparagine.
Molecular consequence: missense variant. On other transcripts: intron variant (6).
Genome position (GRCh38, 1-based): chr2:8,730,938, C>T on the plus strand (G>A on the coding strand, the complement: KIDINS220 is on the minus strand). VCF-style: chr2-8730938-C-T. GRCh37 (hg19) VCF-style: chr2-8871068-C-T.
Other names: c.5101G>A, p.Asp1701Asn (NM_001348729.2); c.5044G>A, p.Asp1682Asn (NM_001348731.2); c.5041G>A, p.Asp1681Asn (NM_001348732.2); c.4930G>A, p.Asp1644Asn (NM_001348734.2); c.4927G>A, p.Asp1643Asn (NM_001348735.2); c.4801G>A, p.Asp1601Asn (NM_001348736.2); c.3882+2506G>A (NM_001348741.2, NM_001348742.2, NM_001348743.2); c.3996+2506G>A (NM_001348738.2); and 1 more; short protein forms D1601N, D1643N, D1681N, D1701N, D1644N, D1682N, D1700N.
Identifiers: ClinVar variation 4987645 (VCV004987645.1).